The following is an entry in ClinVar:

ClinVar aggregate classification (germline): Benign/Likely benign. Review status: criteria provided, multiple submitters, no conflicts (2 of 4 stars). 4 submissions from 4 submitters: Benign (1); Likely benign (3). Last evaluated 2024-04-04.

Conditions:
Hereditary cancer-predisposing syndrome. Also called: Neoplastic Syndromes, Hereditary; Tumor predisposition; Hereditary Cancer Syndrome; Hereditary neoplastic syndrome. Identifiers: Orphanet 140162, MedGen C0027672, MeSH D009386, MONDO:0015356.
Familial adenomatous polyposis 1 (FAP1). Also called: FAMILIAL ADENOMATOUS POLYPOSIS 1, ATTENUATED; POLYPOSIS, ADENOMATOUS INTESTINAL. Identifiers: MedGen C2713442, MONDO:0021056, OMIM 175100. Disease mechanism: loss of function.

Allele frequency attached by ClinVar (database versions not stated): TOPMed below 0.00001.

Submissions (4):

Myriad Genetics, Inc.
Classification: Benign for Familial adenomatous polyposis 1. Last evaluated: 2024-04-04. Review status: criteria provided, single submitter. Criteria: Myriad Autosomal Dominant, Autosomal Recessive and X-Linked Classification Criteria (2023). Collection method: clinical testing. Allele origin: unknown.
Comment: This variant is considered benign. This variant is a silent/synonymous amino acid change and it is not expected to impact splicing.

Labcorp Genetics (formerly Invitae), Labcorp
Classification: Likely benign for Familial adenomatous polyposis 1. Last evaluated: 2022-02-10. Review status: criteria provided, single submitter. Criteria: Invitae Variant Classification Sherloc (09022015). Collection method: clinical testing. Allele origin: germline.

Color Diagnostics, LLC DBA Color Health
Classification: Likely benign for Hereditary cancer-predisposing syndrome. Last evaluated: 2017-10-24. Review status: criteria provided, single submitter. Criteria: ACMG Guidelines, 2015. Collection method: clinical testing. Allele origin: germline.

Ambry Genetics
Classification: Likely benign for Hereditary cancer-predisposing syndrome. Last evaluated: 2016-09-29. Review status: criteria provided, single submitter. Criteria: Ambry Variant Classification Scheme 2023. Collection method: clinical testing. Allele origin: germline.

NM_000038.6(APC):c.6414G>A (p.Leu2138=)

Gene: APC (APC regulator of Wnt signaling pathway; plus strand). Cytogenetic location: 5q22.2.
Variant type: single nucleotide variant.
Coding change: c.6414G>A on transcript NM_000038.6 (MANE Select); coding-DNA position 6414, G replaced by A.
Protein change: p.Leu2138=; no amino-acid change (leucine 2138 retained).
Molecular consequence: synonymous variant.
Genome position (GRCh38, 1-based): chr5:112,842,008, G>A. VCF-style: chr5-112842008-G-A. GRCh37 (hg19) VCF-style: chr5-112177705-G-A.
Other names: c.6414G>A, p.Leu2138= (NM_001127510.3, NM_001354895.2); c.6360G>A, p.Leu2120= (NM_001127511.3); c.6468G>A, p.Leu2156= (NM_001354896.2); c.6444G>A, p.Leu2148= (NM_001354897.2); c.6339G>A, p.Leu2113= (NM_001354898.2); c.6330G>A, p.Leu2110= (NM_001354899.2); c.6291G>A, p.Leu2097= (NM_001354900.2); c.6237G>A, p.Leu2079= (NM_001354901.2); and 5 more.
Identifiers: ClinVar variation 482412 (VCV000482412.16), dbSNP rs1554087414, ClinGen allele CA446210438.